The following is an entry in ClinVar:

ClinVar aggregate classification (germline): Uncertain significance. Review status: criteria provided, multiple submitters, no conflicts (2 of 4 stars). 2 submissions from 2 submitters: Uncertain significance (2). Last evaluated 2025-09-06.

Conditions:
Malignant hyperthermia, susceptibility to, 1 (MHS1). Also called: Anesthesia related hyperthermia; Malignant hyperpyrexia; Fulminating hyperpyrexia; Pharmacogenic myopathy; RYR1-Related Malignant Hyperthermia Susceptibility; Malignant hyperthermia suceptibility 1. Identifiers: Orphanet 423, MedGen C2930980, MONDO:0007783, OMIM 145600.
RYR1-related disorder. Also called: RYR1-related condition; RYR1-related disorders. Identifiers: MedGen CN239331.

Allele frequency attached by ClinVar (database versions not stated): gnomAD exomes below 0.00001; TOPMed 0.00001.
gnomAD v4.1: 1 of 1,614,110 alleles (0.000062%); highest among the groups gnomAD compares: Non-Finnish European, 0.000085%; no homozygotes.

Submissions (2):

Labcorp Genetics (formerly Invitae), Labcorp
Classification: Uncertain significance for RYR1-related disorder. Last evaluated: 2025-09-06. Review status: criteria provided, single submitter. Criteria: Invitae Variant Classification Sherloc (09022015). Collection method: clinical testing. Allele origin: germline.
Comment: This sequence change replaces aspartic acid, which is acidic and polar, with valine, which is neutral and non-polar, at codon 898 of the RYR1 protein (p.Asp898Val). This variant is not present in population databases (gnomAD no frequency). This missense change has been observed in individual(s) with RYR1-related conditions (PMID: 36833224). ClinVar contains an entry for this variant (Variation ID: 3072265). Invitae Evidence Modeling of protein sequence and biophysical properties (such as structural, functional, and spatial information, amino acid conservation, physicochemical variation, residue mobility, and thermodynamic stability) indicates that this missense variant is expected to disrupt RYR1 protein function with a positive predictive value of 80%. In summary, the available evidence is currently insufficient to determine the role of this variant in disease. Therefore, it has been classified as a Variant of Uncertain Significance.

All of Us Research Program, National Institutes of Health
Classification: Uncertain significance for Malignant hyperthermia, susceptibility to, 1. Last evaluated: 2023-06-26. Review status: criteria provided, single submitter. Criteria: ACMG Guidelines, 2015. Collection method: clinical testing. Allele origin: germline. Inheritance: Autosomal dominant inheritance. Observed: 1 variant allele, 1 heterozygote.
Comment: This missense variant replaces aspartic acid with valine at codon 898 of the RYR1 protein. Computational prediction suggests that this variant may have deleterious impact on protein structure and function (internally defined REVEL score threshold >= 0.7, PMID: 27666373). To our knowledge, functional studies have not been reported for this variant. This variant has not been reported in individuals affected with RYR1-related disorders in the literature. This variant has not been identified in the general population by the Genome Aggregation Database (gnomAD). The available evidence is insufficient to determine the role of this variant in disease conclusively. Therefore, this variant is classified as a Variant of Uncertain Significance.

This study involves interpretation of variants in research participants for the purpose of population health screening. Participant phenotype was not available at the time of variant classification. Additional details can be found in publication PMID: 35346344, PMCID: PMC8962531

Literature cited by the submitters: PubMed 36833224 (cited by Labcorp Genetics (formerly Invitae), Labcorp).

NM_000540.3(RYR1):c.2693A>T (p.Asp898Val)

Gene: RYR1 (ryanodine receptor 1; plus strand). Cytogenetic location: 19q13.2.
Variant type: single nucleotide variant.
Coding change: c.2693A>T on transcript NM_000540.3 (MANE Select); coding-DNA position 2693, A replaced by T.
Protein change: p.Asp898Val; replaces aspartic acid 898 with valine.
Molecular consequence: missense variant.
Genome position (GRCh38, 1-based): chr19:38,463,757, A>T. VCF-style: chr19-38463757-A-T. GRCh37 (hg19) VCF-style: chr19-38954397-A-T.
Other names: c.2693A>T, p.Asp898Val (NM_001042723.2); short protein forms D898V.
Identifiers: ClinVar variation 3072265 (VCV003072265.2), dbSNP rs1967921623, ClinGen allele CA405632226.